The following is an entry in ClinVar:

ClinVar aggregate classification (germline): Uncertain significance (1 of 4 stars; one submission).

Conditions:
FG syndrome (FGS). Identifiers: MedGen C0220769, MONDO:0002010.

Submission:

Labcorp Genetics (formerly Invitae), Labcorp
Classification: Uncertain significance for FG syndrome. Last evaluated: 2021-12-26. Review status: criteria provided, single submitter. Criteria: Invitae Variant Classification Sherloc (09022015). Collection method: clinical testing. Allele origin: germline.
Comment: This sequence change replaces glutamine, which is neutral and polar, with lysine, which is basic and polar, at codon 245 of the MED12 protein (p.Gln245Lys). This variant is not present in population databases (gnomAD no frequency). In summary, the available evidence is currently insufficient to determine the role of this variant in disease. Therefore, it has been classified as a Variant of Uncertain Significance. Algorithms developed to predict the effect of missense changes on protein structure and function (SIFT, PolyPhen-2, Align-GVGD) all suggest that this variant is likely to be disruptive. This variant has not been reported in the literature in individuals affected with MED12-related conditions.

NM_005120.3(MED12):c.733C>A (p.Gln245Lys)

Gene: MED12 (mediator complex subunit 12; plus strand). Cytogenetic location: Xq13.1.
Variant type: single nucleotide variant.
Coding change: c.733C>A on transcript NM_005120.3 (MANE Select); coding-DNA position 733, C replaced by A.
Protein change: p.Gln245Lys; replaces glutamine 245 with lysine.
Molecular consequence: missense variant.
Genome position (GRCh38, 1-based): chrX:71,121,150, C>A. VCF-style: chrX-71121150-C-A. GRCh37 (hg19) VCF-style: chrX-70341000-C-A.
Other names: short protein forms Q245K.
Identifiers: ClinVar variation 2061509 (VCV002061509.4), dbSNP rs2519666299, ClinGen allele CA413501293.